The following is an entry in ClinVar:

ClinVar aggregate classification (germline): Uncertain significance (1 of 4 stars; one submission).

gnomAD v4.1: 31 of 1,612,774 alleles (0.0019%); highest among the groups gnomAD compares: Non-Finnish European, 0.0025%; no homozygotes.

Submission:

Labcorp Genetics (formerly Invitae), Labcorp
Classification: Uncertain significance. Last evaluated: 2025-11-15. Review status: criteria provided, single submitter. Criteria: Invitae Variant Classification Sherloc (09022015). Collection method: clinical testing. Allele origin: germline.
Comment: This sequence change replaces lysine, which is basic and polar, with asparagine, which is neutral and polar, at codon 60 of the RPL27 protein (p.Lys60Asn). This variant is present in population databases (rs11538131, gnomAD 0.005%). This variant has not been reported in the literature in individuals affected with RPL27-related conditions. ClinVar contains an entry for this variant (Variation ID: 3015907). An algorithm developed to predict the effect of missense changes on protein structure and function (PolyPhen-2) suggests that this variant is likely to be disruptive. In summary, the available evidence is currently insufficient to determine the role of this variant in disease. Therefore, it has been classified as a Variant of Uncertain Significance.

NM_000988.5(RPL27):c.180G>T (p.Lys60Asn)

Gene: RPL27 (ribosomal protein L27; plus strand). Cytogenetic location: 17q21.31.
Variant type: single nucleotide variant.
Coding change: c.180G>T on transcript NM_000988.5 (MANE Select); coding-DNA position 180, G replaced by T.
Protein change: p.Lys60Asn; replaces lysine 60 with asparagine.
Molecular consequence: missense variant.
Genome position (GRCh38, 1-based): chr17:43,000,031, G>T. VCF-style: chr17-43000031-G-T. GRCh37 (hg19) VCF-style: chr17-41152048-G-T.
Other names: c.180G>T, p.Lys60Asn (NM_001349921.2, NM_001349922.2); short protein forms K60N.
Identifiers: ClinVar variation 3015907 (VCV003015907.3), dbSNP rs11538131, ClinGen allele CA8588948.
Genomic context (GRCh38, chr17:43,000,031, plus strand): 5'-TGCTCTGGTGGCTGGAATTGACCGCTACCCCCGCAAAGTGACAGCTGCCATGGGCAAGAA[G>T]AAGATCGCCAAGAGATCAAAGATAAAATCTTTTGTGAAAGTGTATAACTACAATCACCTA-3'
Protein context (NP_000979.1, residues 50-70): PRKVTAAMGK[Lys60Asn]KIAKRSKIKS